The following is an entry in ClinVar:

NM_000455.5(STK11):c.465-2A>G

Gene: STK11 (serine/threonine kinase 11; plus strand). Cytogenetic location: 19p13.3.
Variant type: single nucleotide variant.
Coding change: c.465-2A>G on transcript NM_000455.5 (MANE Select); the canonical splice acceptor site of the intron before coding-DNA position 465, A replaced by G.
Molecular consequence: splice acceptor variant.
Genome position (GRCh38, 1-based): chr19:1,220,371, A>G. VCF-style: chr19-1220371-A-G. GRCh37 (hg19) VCF-style: chr19-1220370-A-G.
Other names: c.465-2A>G (NM_001407255.1).
Identifiers: ClinVar variation 3723207 (VCV003723207.2).

ClinVar aggregate classification (germline): Pathogenic (1 of 4 stars; one submission).

Conditions:
Peutz-Jeghers syndrome (PJS). Also called: POLYPOSIS, HAMARTOMATOUS INTESTINAL; POLYPS-AND-SPOTS SYNDROME; Peutz-Jeghers polyposis; Periorificial lentiginosis syndrome. Identifiers: Orphanet 2869, MedGen C0031269, MeSH D010580, MONDO:0008280, OMIM 175200.

Submission:

Labcorp Genetics (formerly Invitae), Labcorp
Classification: Pathogenic for Peutz-Jeghers syndrome. Last evaluated: 2024-06-22. Review status: criteria provided, single submitter. Criteria: Invitae Variant Classification Sherloc (09022015). Collection method: clinical testing. Allele origin: germline.
Comment: This sequence change affects an acceptor splice site in intron 3 of the STK11 gene. It is expected to disrupt RNA splicing. Variants that disrupt the donor or acceptor splice site typically lead to a loss of protein function (PMID: 16199547), and loss-of-function variants in STK11 are known to be pathogenic (PMID: 15188174, 16287113). This variant is not present in population databases (gnomAD no frequency). Disruption of this splice site has been observed in individuals with Peutz-Jeghers syndrome (PMID: 9425897, 11389158). This variant is also known as IVS3-2A>G. Algorithms developed to predict the effect of sequence changes on RNA splicing suggest that this variant may disrupt the consensus splice site. For these reasons, this variant has been classified as Pathogenic.

Literature cited by the submitters: PubMed 16199547; PubMed 15188174; PubMed 16287113; PubMed 9425897; PubMed 11389158.